The following is an entry in ClinVar:

ClinVar aggregate classification (germline): Conflicting classifications of pathogenicity. Review status: criteria provided, conflicting classifications (1 of 4 stars). 3 submissions from 3 submitters: Uncertain significance (2); Likely benign (1). Last evaluated 2026-01-27.

Conditions:
Glycogen storage disease XV (GSD15). Also called: GLYCOGENIN DEFICIENCY; GSD XV. Identifiers: Orphanet 263297, MedGen C3150754, MONDO:0013291, OMIM 613507.
Polyglucosan body myopathy type 2. Identifiers: Orphanet 456369, MedGen C4015452, MONDO:0014526, OMIM 616199.

Allele frequency attached by ClinVar (database versions not stated): 1000 Genomes Project 0.00020; gnomAD exomes 0.00030; ExAC 0.00035; gnomAD 0.00062 and 0.00071; TOPMed 0.00068; ESP Exome Variant Server 0.00085.
gnomAD v4.1: 509 of 1,613,708 alleles (0.032%); highest among the groups gnomAD compares: African/African-American, 0.2%; no homozygotes.

Submissions (3):

Labcorp Genetics (formerly Invitae), Labcorp
Classification: Likely benign for Polyglucosan body myopathy type 2; Glycogen storage disease XV. Last evaluated: 2026-01-27. Review status: criteria provided, single submitter. Criteria: Invitae Variant Classification Sherloc (09022015). Collection method: clinical testing. Allele origin: germline.

GeneDx
Classification: Uncertain significance. Last evaluated: 2025-01-22. Review status: criteria provided, single submitter. Criteria: GeneDx Variant Classification Process June 2021. Collection method: clinical testing. Allele origin: germline. Affected: yes.
Comment: In silico analysis indicates that this missense variant does not alter protein structure/function; Has not been previously published as pathogenic or benign to our knowledge

Mayo Clinic Laboratories, Mayo Clinic
Classification: Uncertain significance. Last evaluated: 2022-02-25. Review status: criteria provided, single submitter. Criteria: ACMG Guidelines, 2015. Collection method: clinical testing. Allele origin: germline. Observed: 1 variant allele.
Comment: BP4

NM_004130.4(GYG1):c.767A>C (p.Asn256Thr)

Gene: GYG1 (glycogenin 1; plus strand). Cytogenetic location: 3q24.
Variant type: single nucleotide variant.
Coding change: c.767A>C on transcript NM_004130.4 (MANE Select); coding-DNA position 767, A replaced by C.
Protein change: p.Asn256Thr; replaces asparagine 256 with threonine.
Molecular consequence: missense variant. On other transcripts: intron variant (1).
Genome position (GRCh38, 1-based): chr3:149,024,211, A>C. VCF-style: chr3-149024211-A-C. GRCh37 (hg19) VCF-style: chr3-148741998-A-C.
Other names: p.Asn256Thr; c.767A>C (NM_004130.3); c.767A>C, p.Asn256Thr (NM_001184720.2); c.609-2549A>C (NM_001184721.2); short protein forms N256T.
Identifiers: ClinVar variation 1110503 (VCV001110503.11), dbSNP rs142869401, ClinGen allele CA2658652.